The following is an entry in ClinVar:

ClinVar aggregate classification (germline): Conflicting classifications of pathogenicity. Review status: criteria provided, conflicting classifications (1 of 4 stars). 8 submissions from 8 submitters: Uncertain significance (6); Likely benign (1). 1 of the submissions does not count toward it. Last evaluated 2026-01-30.

Conditions:
Cardiovascular phenotype. Identifiers: MedGen CN230736.
BAG3-related disorder. Also called: BAG3-related condition.
Dilated cardiomyopathy 1HH (CMD1HH). Identifiers: Orphanet 154, MedGen C3151293, MONDO:0013479, OMIM 613881.
Myofibrillar myopathy 6. Identifiers: Orphanet 199340, MedGen C2751831, MONDO:0013061, OMIM 612954.

Allele frequency attached by ClinVar (database versions not stated): gnomAD exomes 0.00003; TOPMed 0.00010; gnomAD 0.00011 and 0.00012.
gnomAD v4.1: 67 of 1,612,560 alleles (0.0042%); highest among the groups gnomAD compares: Admixed American, 0.02%; no homozygotes.

Submissions (8):

Dasa
Classification: Uncertain significance. Last evaluated: 2026-01-30. Review status: criteria provided, single submitter. Criteria: DASA Assertion Criteria. Collection method: clinical testing. Allele origin: germline.
Comment: NM_004281.4(BAG3):c.508C>T (p.Arg170Trp) is a missense variant that results in the substitution of arginine with tryptophan. This variant has been recurrently observed in individuals with BAG3-related disorders (PMID: 38380180; PMID: 30847666; PMID: 31146700). Also, this variant is rare in population databases. The currently available literature and clinical evidence are not sufficient to establish a definitive association between this variant and the reported condition. Therefore, this variant is classified as a variant of uncertain significance.

Labcorp Genetics (formerly Invitae), Labcorp
Classification: Uncertain significance for Dilated cardiomyopathy 1HH; Myofibrillar myopathy 6. Last evaluated: 2026-01-20. Review status: criteria provided, single submitter. Criteria: Invitae Variant Classification Sherloc (09022015). Collection method: clinical testing. Allele origin: germline.
Comment: This sequence change replaces arginine, which is basic and polar, with tryptophan, which is neutral and slightly polar, at codon 170 of the BAG3 protein (p.Arg170Trp). This variant is present in population databases (rs200479768, gnomAD 0.01%). This variant has not been reported in the literature in individuals affected with BAG3-related conditions. ClinVar contains an entry for this variant (Variation ID: 191607). An algorithm developed to predict the effect of missense changes on protein structure and function (PolyPhen-2) suggests that this variant is likely to be disruptive. In summary, the available evidence is currently insufficient to determine the role of this variant in disease. Therefore, it has been classified as a Variant of Uncertain Significance.

Ambry Genetics
Classification: Uncertain significance for Cardiovascular phenotype. Last evaluated: 2024-10-23. Review status: criteria provided, single submitter. Criteria: Ambry Variant Classification Scheme 2023. Collection method: clinical testing. Allele origin: germline.
Comment: The p.R170W variant (also known as c.508C>T) is located in coding exon 3 of the BAG3 gene. The arginine at codon 170 is replaced by tryptophan, an amino acid with dissimilar properties. This change occurs in the first base pair of coding exon 3. This variant co-occurred with a NEXN variant in an individual reported to have hypertrophic cardiomyopathy, and also co-occurred with multiple variants in cardiac-related genes, including a nonsense alteration and large deletion of DSG2, in an individual with arrhythmogenic cardiomyopathy and noncompaction (van Lint FHM et al. Neth Heart J. 2019 Jun;27(6):304-309; Brodehl A et al. Int J Mol Sci. 2021 Apr;22(7)). This alteration has been reported as a secondary cardiac variant in an exome cohort (Ng D et al. Circ Cardiovasc Genet, 2013 Aug;6:337-46). This amino acid position is not well conserved in available vertebrate species. In addition, the in silico prediction for this alteration is inconclusive. Since supporting evidence is limited at this time, the clinical significance of this alteration remains unclear.

Blueprint Genetics
Classification: Likely benign. Last evaluated: 2024-08-08. Review status: criteria provided, single submitter. Criteria: ACMG Guidelines, 2015. Collection method: clinical testing. Allele origin: germline.

Revvity Omics, Revvity
Classification: Uncertain significance. Last evaluated: 2021-11-24. Review status: criteria provided, single submitter. Criteria: ACMG Guidelines, 2015. Collection method: clinical testing. Allele origin: germline.

Fulgent Genetics
Classification: Uncertain significance for Myofibrillar myopathy 6; Dilated cardiomyopathy 1HH. Last evaluated: 2021-10-26. Review status: criteria provided, single submitter. Criteria: ACMG Guidelines, 2015. Collection method: clinical testing. Allele origin: unknown.

Biesecker Lab/Clinical Genomics Section, National Institutes of Health
Classification: Uncertain significance. Last evaluated: 2013-06-24. Review status: criteria provided, single submitter. Criteria: Ng et al. (Circ Cardiovasc Genet. 2013). Collection method: research. Allele origin: unknown. Observed: 1 variant allele. Study: ClinSeq.
Comment: The study set was not selected for affection status in relation to any cancer. Pathogenicity categories were based on literature curation. See Pubmed ID:23861362 for details.

Medical sequencing

PreventionGenetics, part of Exact Sciences
Classification: Uncertain significance for BAG3-related condition. Last evaluated: 2024-03-28. Review status: no assertion criteria provided. Collection method: clinical testing. Allele origin: germline. Not counted in ClinVar's aggregate classification.
Comment: The BAG3 c.508C>T variant is predicted to result in the amino acid substitution p.Arg170Trp. To our knowledge, this variant has not been reported in the literature. This variant is reported in 0.0085% of alleles in individuals of Latino descent in gnomAD. At this time, the clinical significance of this variant is uncertain due to the absence of conclusive functional and genetic evidence.

Literature cited by the submitters: PubMed 38380180 (cited by Dasa and Ambry Genetics); PubMed 30847666 (cited by Dasa and Ambry Genetics); PubMed 31146700 (cited by Dasa); PubMed 23861362 (cited by Ambry Genetics); PubMed 33917638 (cited by Ambry Genetics).

NM_004281.4(BAG3):c.508C>T (p.Arg170Trp)

Gene: BAG3 (BAG cochaperone 3; plus strand). Cytogenetic location: 10q26.11.
Variant type: single nucleotide variant.
Coding change: c.508C>T on transcript NM_004281.4 (MANE Select); coding-DNA position 508, C replaced by T.
Protein change: p.Arg170Trp; replaces arginine 170 with tryptophan.
Molecular consequence: missense variant.
Genome position (GRCh38, 1-based): chr10:119,672,255, C>T. VCF-style: chr10-119672255-C-T. GRCh37 (hg19) VCF-style: chr10-121431767-C-T.
Other names: short protein forms R170W.
Identifiers: ClinVar variation 191607 (VCV000191607.20), dbSNP rs200479768, ClinGen allele CA237046.